The following is an entry in ClinVar:

ClinVar aggregate classification (germline): Uncertain significance (1 of 4 stars; one submission).

Allele frequency attached by ClinVar (database versions not stated): gnomAD exomes 0.00001; TOPMed 0.00011; gnomAD 0.00009; ExAC 0.00002.
gnomAD v4.1: 29 of 1,611,520 alleles (0.0018%); highest among the groups gnomAD compares: Admixed American, 0.015%; no homozygotes.

Submission:

Ambry Genetics
Classification: Uncertain significance. Last evaluated: 2025-11-20. Review status: criteria provided, single submitter. Criteria: Ambry Variant Classification Scheme 2023. Collection method: clinical testing. Allele origin: germline.
Comment: The c.5207T>C (p.I1736T) alteration is located in exon 22 (coding exon 22) of the RGPD3 gene. This alteration results from a T to C substitution at nucleotide position 5207, causing the isoleucine (I) at amino acid position 1736 to be replaced by a threonine (T). Based on data from gnomAD, the C allele has an overall frequency of 0.002% (4/249834) total alleles studied. The highest observed frequency was 0.005% (1/21646) of European (Finnish) alleles. Based on insufficient or conflicting evidence, the clinical significance of this alteration remains unclear.

NM_001144013.2(RGPD3):c.5207T>C (p.Ile1736Thr)

Gene: RGPD3 (RANBP2 like and GRIP domain containing 3; minus strand). Cytogenetic location: 2q12.2.
Variant type: single nucleotide variant.
Coding change: c.5207T>C on transcript NM_001144013.2 (MANE Select); coding-DNA position 5207, T replaced by C.
Protein change: p.Ile1736Thr; replaces isoleucine 1736 with threonine.
Molecular consequence: missense variant.
Genome position (GRCh38, 1-based): chr2:106,413,143, A>G on the plus strand (T>C on the coding strand, the complement: RGPD3 is on the minus strand). VCF-style: chr2-106413143-A-G. GRCh37 (hg19) VCF-style: chr2-107029599-A-G.
Other names: short protein forms I1736T.
Identifiers: ClinVar variation 3153687 (VCV003153687.2), dbSNP rs764207957, ClinGen allele CA1816078.
Genomic context (GRCh38, chr2:106,413,143, plus strand): 5'-CCTTGAGCAACCGCAGCAAGTTTTCCCTTTTCTTCAAGGCTGAGCTGCAACATCGTATTT[A>G]TAACAGGAAGAAGTCTCTCTCTTTCACTACCTGGCTTCAAGAAAATGAACTGCAGCAAGA-3'
Protein context (NP_001137485.1, residues 1726-1746): GSERERLLPV[Ile1736Thr]NTMLQLSLEE